The following is an entry in ClinVar:

ClinVar aggregate classification (germline): Uncertain significance (1 of 4 stars; one submission).

Conditions:
SHANK1-related disorder. Also called: SHANK1-related condition.

gnomAD v4.1: 2 of 1,568,288 alleles (0.00013%); highest among the groups gnomAD compares: Non-Finnish European, 0.00017%; no homozygotes.

Submission:

PreventionGenetics, part of Exact Sciences
Classification: Uncertain significance for SHANK1-related condition. Last evaluated: 2026-02-16. Review status: criteria provided, single submitter. Criteria: ACMG Guidelines, 2015. Collection method: clinical testing. Allele origin: germline.
Comment: The SHANK1 c.92A>C variant is predicted to result in the amino acid substitution p.Asp31Ala. To our knowledge, this variant has not been reported in the literature. This variant is reported in 0.0021% of alleles in individuals of European (Non-Finnish) descent in gnomAD. At this time, the clinical significance of this variant is uncertain due to the absence of conclusive functional and genetic evidence.

NM_016148.5(SHANK1):c.92A>C (p.Asp31Ala)

Gene: SHANK1 (SH3 and multiple ankyrin repeat domains 1; minus strand). Cytogenetic location: 19q13.33.
Variant type: single nucleotide variant.
Coding change: c.92A>C on transcript NM_016148.5 (MANE Select); coding-DNA position 92, A replaced by C.
Protein change: p.Asp31Ala; replaces aspartic acid 31 with alanine.
Molecular consequence: missense variant.
Genome position (GRCh38, 1-based): chr19:50,716,828, T>G on the plus strand (A>C on the coding strand, the complement: SHANK1 is on the minus strand). VCF-style: chr19-50716828-T-G. GRCh37 (hg19) VCF-style: chr19-51220085-T-G.
Other names: short protein forms D31A.
Identifiers: ClinVar variation 4982912 (VCV004982912.1).